The following is an entry in ClinVar:

NM_001868.4(CPA1):c.1072+1G>T

Gene: CPA1 (carboxypeptidase A1; plus strand). Cytogenetic location: 7q32.2.
Variant type: single nucleotide variant.
Coding change: c.1072+1G>T on transcript NM_001868.4 (MANE Select); the canonical splice donor site of the intron after coding-DNA position 1072, G replaced by T.
Molecular consequence: splice donor variant.
Genome position (GRCh38, 1-based): chr7:130,385,924, G>T. VCF-style: chr7-130385924-G-T. GRCh37 (hg19) VCF-style: chr7-130025765-G-T.
Identifiers: ClinVar variation 822118 (VCV000822118.6), dbSNP rs782539361, ClinGen allele CA369284155.

ClinVar aggregate classification (germline): Uncertain significance. Review status: criteria provided, multiple submitters, no conflicts (2 of 4 stars). 2 submissions from 2 submitters: Uncertain significance (2). Last evaluated 2026-02-06.

Conditions:
Hereditary pancreatitis (PCTT). Also called: PRSS1-Related Hereditary Pancreatitis; Hereditary chronic pancreatitis. Identifiers: Orphanet 676, MedGen C0238339, MONDO:0008185, OMIM 167800.

Allele frequency attached by ClinVar (database versions not stated): gnomAD exomes below 0.00001.
gnomAD v4.1: 1 of 1,612,776 alleles (0.000062%); highest among the groups gnomAD compares: Non-Finnish European, 0.000085%; no homozygotes.

Submissions (2):

Ambry Genetics
Classification: Uncertain significance for Hereditary pancreatitis. Last evaluated: 2026-02-06. Review status: criteria provided, single submitter. Criteria: Ambry Variant Classification Scheme 2023. Collection method: clinical testing. Allele origin: germline.
Comment: The c.1072+1G>T intronic variant results from a G to T substitution one nucleotide after coding exon 9 of the CPA1 gene. Results of a minigene study suggest that this alteration leads to skipping of exon 9 (Lin JH et al. Gut, 2019 Mar;[Epub ahead of print]). This nucleotide position is highly conserved in available vertebrate species. In silico splice site analysis predicts that this alteration will weaken the native splice donor site. Variants that disrupt the canonical splice site are expected to cause aberrant splicing, resulting in an abnormal protein or a transcript that is subject to nonsense-mediated mRNA decay. However, loss of function has not been established as a mechanism of disease. Based on the available evidence, the clinical significance of this variant remains unclear.

Labcorp Genetics (formerly Invitae), Labcorp
Classification: Uncertain significance. Last evaluated: 2025-07-03. Review status: criteria provided, single submitter. Criteria: Invitae Variant Classification Sherloc (09022015). Collection method: clinical testing. Allele origin: germline.
Comment: This sequence change falls in intron 9 of the CPA1 gene. It does not directly change the encoded amino acid sequence of the CPA1 protein. RNA analysis indicates that this variant induces altered splicing and likely disrupts the C-terminus of the protein. This variant is not present in population databases (gnomAD no frequency). This variant has not been reported in the literature in individuals affected with CPA1-related conditions. ClinVar contains an entry for this variant (Variation ID: 822118). Algorithms developed to predict the effect of variants on gene product structure and function are not available or were not evaluated for this variant. Experimental studies have shown that this variant affects CPA1 function (PMID: 23955596). Variants that disrupt the consensus splice site are a relatively common cause of aberrant splicing (PMID: 17576681, 9536098). Studies have shown that this variant results in skipping of exon 9 and introduces a new termination codon (PMID: 30862690). However the mRNA is not expected to undergo nonsense-mediated decay. In summary, the available evidence is currently insufficient to determine the role of this variant in disease. Therefore, it has been classified as a Variant of Uncertain Significance.

Literature cited by the submitters: PubMed 23955596 (cited by Ambry Genetics and Labcorp Genetics (formerly Invitae), Labcorp); PubMed 30862690 (cited by Ambry Genetics and Labcorp Genetics (formerly Invitae), Labcorp); PubMed 17576681 (cited by Labcorp Genetics (formerly Invitae), Labcorp); PubMed 9536098 (cited by Labcorp Genetics (formerly Invitae), Labcorp).